The following is an entry in ClinVar:

ClinVar aggregate classification (germline): Uncertain significance (1 of 4 stars; one submission).

Allele frequency attached by ClinVar (database versions not stated): gnomAD exomes below 0.00001; TOPMed below 0.00001.

Submission:

Labcorp Genetics (formerly Invitae), Labcorp
Classification: Uncertain significance. Last evaluated: 2024-09-05. Review status: criteria provided, single submitter. Criteria: Invitae Variant Classification Sherloc (09022015). Collection method: clinical testing. Allele origin: germline.
Comment: This sequence change affects the initiator methionine of the SGMS2 mRNA. The next in-frame methionine is located at codon 64. This variant is not present in population databases (gnomAD no frequency). This variant has not been reported in the literature in individuals affected with SGMS2-related conditions. Experimental studies and prediction algorithms are not available or were not evaluated, and the functional significance of this variant is currently unknown. In summary, the available evidence is currently insufficient to determine the role of this variant in disease. Therefore, it has been classified as a Variant of Uncertain Significance.

NM_001375905.1(SGMS2):c.1A>G (p.Met1Val)

Genes: SGMS2 (sphingomyelin synthase 2; plus strand), CYP2U1-AS1 (CYP2U1 and SGMS2 antisense RNA 1; minus strand). Cytogenetic location: 4q25.
Variant type: single nucleotide variant.
Coding change: c.1A>G on transcript NM_001375905.1 (MANE Select); coding-DNA position 1, A replaced by G.
Protein change: p.Met1Val; changes the start codon (methionine 1).
Molecular consequence: missense variant, initiator codon variant. On other transcripts: intron variant (1).
Genome position (GRCh38, 1-based): chr4:107,895,554, A>G. VCF-style: chr4-107895554-A-G. GRCh37 (hg19) VCF-style: chr4-108816710-A-G.
Other names: c.1A>G, p.Met1Val (NM_001136257.2, NM_001136258.2, NM_001375906.1 and 4 more transcripts); c.-64-4021A>G (NM_001375911.1); short protein forms M1V.
Identifiers: ClinVar variation 2762799 (VCV002762799.3), dbSNP rs1172561379, ClinGen allele CA357834123.